The following is an entry in ClinVar:

NM_057176.3(BSND):c.107C>A (p.Thr36Asn)

Gene: BSND (barttin CLCNK type accessory subunit beta; plus strand). Cytogenetic location: 1p32.3.
Variant type: single nucleotide variant.
Coding change: c.107C>A on transcript NM_057176.3 (MANE Select); coding-DNA position 107, C replaced by A.
Protein change: p.Thr36Asn; replaces threonine 36 with asparagine.
Molecular consequence: missense variant.
Genome position (GRCh38, 1-based): chr1:54,999,293, C>A. VCF-style: chr1-54999293-C-A. GRCh37 (hg19) VCF-style: chr1-55464966-C-A.
Other names: c.107C>A (NM_057176.2); short protein forms T36N.
Identifiers: ClinVar variation 2910108 (VCV002910108.3), dbSNP rs777656311, ClinGen allele CA340470720.

ClinVar aggregate classification (germline): Conflicting classifications of pathogenicity. Review status: criteria provided, conflicting classifications (1 of 4 stars). 3 submissions from 3 submitters: Pathogenic (1); Likely pathogenic (1); Uncertain significance (1). Last evaluated 2025-04-22.

Conditions:
Bartter syndrome. Identifiers: Orphanet 112, MedGen C0004775, MONDO:0015231.

gnomAD v4.1: 2 of 1,613,978 alleles (0.00012%); highest among the groups gnomAD compares: African/African-American, 0.0013%; no homozygotes.

Submissions (3):

Natera, Inc.
Classification: Likely pathogenic for Bartter syndrome. Last evaluated: 2025-04-22. Review status: criteria provided, single submitter. Criteria: Natera Variant Classification Schema (03/2026). Collection method: clinical testing. Allele origin: germline.
Comment: The c.107C>A variant in BSND is a missense variant predicted to cause substitution of threonine to asparagine at amino acid 36. This variant is rare in the general population with a frequency below the threshold expected for the associated phenotype(s). This variant has been observed in one or more individuals affected with the associated recessive disease, as either homozygous or compound heterozygous with a second variant (PMID: 30174009, 32279305). Additionally, this variant has been observed to segregate in affected family members (PMID: 30174009, 32279305). Computational prediction algorithms indicate this variant is likely to affect gene or protein function. Given the available evidence, this variant is classified as Likely Pathogenic.

Labcorp Genetics (formerly Invitae), Labcorp
Classification: Uncertain significance. Last evaluated: 2023-12-26. Review status: criteria provided, single submitter. Criteria: Invitae Variant Classification Sherloc (09022015). Collection method: clinical testing. Allele origin: germline.
Comment: This sequence change replaces threonine, which is neutral and polar, with asparagine, which is neutral and polar, at codon 36 of the BSND protein (p.Thr36Asn). This variant is not present in population databases (gnomAD no frequency). This missense change has been observed in individuals with autosomal recessive Bartter syndrome and/or autosomal recessive deafness (PMID: 30174009, 32279305). Advanced modeling of protein sequence and biophysical properties (such as structural, functional, and spatial information, amino acid conservation, physicochemical variation, residue mobility, and thermodynamic stability) performed at Invitae indicates that this missense variant is expected to disrupt BSND protein function with a positive predictive value of 80%. In summary, the available evidence is currently insufficient to determine the role of this variant in disease. Therefore, it has been classified as a Variant of Uncertain Significance.

GeneDx
Classification: Pathogenic. Last evaluated: 2023-07-11. Review status: criteria provided, single submitter. Criteria: GeneDx Variant Classification Process June 2021. Collection method: clinical testing. Allele origin: germline. Affected: yes.
Comment: Not observed at significant frequency in large population cohorts (gnomAD); In silico analysis supports that this missense variant has a deleterious effect on protein structure/function; This variant is associated with the following publications: (PMID: 30174009, 32279305)

Literature cited by the submitters: PubMed 30174009 (cited by Natera, Inc. and Labcorp Genetics (formerly Invitae), Labcorp); PubMed 32279305 (cited by Natera, Inc. and Labcorp Genetics (formerly Invitae), Labcorp).